The following is an entry in ClinVar:

ClinVar aggregate classification (germline): Conflicting classifications of pathogenicity. Review status: criteria provided, conflicting classifications (1 of 4 stars). 2 submissions from 2 submitters: Uncertain significance (1); Likely benign (1). Last evaluated 2024-09-09.

Conditions:
DICER1-related tumor predisposition. Also called: DICER1-related pleuropulmonary blastoma cancer predisposition syndrome; DICER1 syndrome. Identifiers: Orphanet 284343, MedGen C3839822, MONDO:0100216.
Hereditary cancer-predisposing syndrome. Also called: Hereditary Cancer Syndrome; Hereditary neoplastic syndrome; Neoplastic Syndromes, Hereditary; Tumor predisposition. Identifiers: Orphanet 140162, MedGen C0027672, MeSH D009386, MONDO:0015356.

Submissions (2):

Ambry Genetics
Classification: Likely benign for Hereditary cancer-predisposing syndrome. Last evaluated: 2024-09-09. Review status: criteria provided, single submitter. Criteria: Ambry Variant Classification Scheme 2023. Collection method: clinical testing. Allele origin: germline.

Labcorp Genetics (formerly Invitae), Labcorp
Classification: Uncertain significance for DICER1-related tumor predisposition. Last evaluated: 2023-11-11. Review status: criteria provided, single submitter. Criteria: Invitae Variant Classification Sherloc (09022015). Collection method: clinical testing. Allele origin: germline.
Comment: This sequence change replaces serine, which is neutral and polar, with arginine, which is basic and polar, at codon 888 of the DICER1 protein (p.Ser888Arg). This variant is not present in population databases (gnomAD no frequency). This variant has not been reported in the literature in individuals affected with DICER1-related conditions. Advanced modeling of protein sequence and biophysical properties (such as structural, functional, and spatial information, amino acid conservation, physicochemical variation, residue mobility, and thermodynamic stability) performed at Invitae indicates that this missense variant is not expected to disrupt DICER1 protein function with a negative predictive value of 80%. In summary, the available evidence is currently insufficient to determine the role of this variant in disease. Therefore, it has been classified as a Variant of Uncertain Significance.

NM_177438.3(DICER1):c.2664C>G (p.Ser888Arg)

Gene: DICER1 (dicer 1, ribonuclease III; minus strand). Cytogenetic location: 14q32.13.
Variant type: single nucleotide variant.
Coding change: c.2664C>G on transcript NM_177438.3 (MANE Select); coding-DNA position 2664, C replaced by G.
Protein change: p.Ser888Arg; replaces serine 888 with arginine.
Molecular consequence: missense variant. On other transcripts: non-coding transcript variant (6).
Genome position (GRCh38, 1-based): chr14:95,107,748, G>C on the plus strand (C>G on the coding strand, the complement: DICER1 is on the minus strand). VCF-style: chr14-95107748-G-C. GRCh37 (hg19) VCF-style: chr14-95574085-G-C.
Other names: c.2664C>G, p.Ser888Arg (NM_001195573.1, NM_001271282.3, NM_001291628.2 and 13 more transcripts); c.2382C>G, p.Ser794Arg (NM_001395686.1); c.2259C>G, p.Ser753Arg (NM_001395687.1, NM_001395688.1, NM_001395689.1 and 2 more transcripts); c.2097C>G, p.Ser699Arg (NM_001395691.1); c.981C>G, p.Ser327Arg (NM_001395697.1); short protein forms S794R, S699R, S753R, S327R, S888R.
Identifiers: ClinVar variation 2695122 (VCV002695122.4), dbSNP rs1595379355, ClinGen allele CA390880898.